The following is an entry in ClinVar:

ClinVar aggregate classification (germline): Conflicting classifications of pathogenicity. Review status: criteria provided, conflicting classifications (1 of 4 stars). 3 submissions from 3 submitters: Uncertain significance (2); Likely benign (1). Last evaluated 2025-11-20.

Conditions:
POLD1-related polyposis and colorectal cancer syndrome (CRCS10). Also called: Colorectal cancer 10; COLORECTAL CANCER, SUSCEPTIBILITY TO, ON CHROMOSOME 19q; Colorectal cancer, susceptibility to, 10. Identifiers: Orphanet 220460, MedGen C2675481, MONDO:0012953, OMIM 612591.
Hereditary cancer-predisposing syndrome. Also called: Tumor predisposition; Hereditary Cancer Syndrome; Hereditary neoplastic syndrome; Neoplastic Syndromes, Hereditary. Identifiers: Orphanet 140162, MedGen C0027672, MeSH D009386, MONDO:0015356.

Submissions (3):

Ambry Genetics
Classification: Likely benign for Hereditary cancer-predisposing syndrome. Last evaluated: 2025-11-20. Review status: criteria provided, single submitter. Criteria: Ambry Variant Classification Scheme 2023. Collection method: clinical testing. Allele origin: germline.

Labcorp Genetics (formerly Invitae), Labcorp
Classification: Uncertain significance for POLD1-related polyposis and colorectal cancer syndrome. Last evaluated: 2024-10-16. Review status: criteria provided, single submitter. Criteria: Invitae Variant Classification Sherloc (09022015). Collection method: clinical testing. Allele origin: germline.
Comment: This sequence change replaces threonine, which is neutral and polar, with serine, which is neutral and polar, at codon 441 of the POLD1 protein (p.Thr441Ser). This variant is not present in population databases (gnomAD no frequency). This variant has not been reported in the literature in individuals affected with POLD1-related conditions. ClinVar contains an entry for this variant (Variation ID: 962020). Invitae Evidence Modeling of protein sequence and biophysical properties (such as structural, functional, and spatial information, amino acid conservation, physicochemical variation, residue mobility, and thermodynamic stability) indicates that this missense variant is not expected to disrupt POLD1 protein function with a negative predictive value of 80%. In summary, the available evidence is currently insufficient to determine the role of this variant in disease. Therefore, it has been classified as a Variant of Uncertain Significance.

Genetic Services Laboratory, University of Chicago
Classification: Uncertain significance. Last evaluated: 2019-07-25. Review status: criteria provided, single submitter. Criteria: ACMG Guidelines, 2015. Collection method: clinical testing. Allele origin: germline. Affected: no.

NM_002691.4(POLD1):c.1321A>T (p.Thr441Ser)

Gene: POLD1 (DNA polymerase delta 1, catalytic subunit; plus strand). Cytogenetic location: 19q13.33.
Variant type: single nucleotide variant.
Coding change: c.1321A>T on transcript NM_002691.4 (MANE Select); coding-DNA position 1321, A replaced by T.
Protein change: p.Thr441Ser; replaces threonine 441 with serine.
Molecular consequence: missense variant. On other transcripts: non-coding transcript variant (1).
Genome position (GRCh38, 1-based): chr19:50,406,260, A>T. VCF-style: chr19-50406260-A-T. GRCh37 (hg19) VCF-style: chr19-50909517-A-T.
Other names: c.1321A>T, p.Thr441Ser (NM_001256849.1, NM_001308632.1); short protein forms T441S.
Identifiers: ClinVar variation 962020 (VCV000962020.15), dbSNP rs1601215588, ClinGen allele CA406979868.